The following is an entry in ClinVar:

NM_000136.3(FANCC):c.991A>G (p.Lys331Glu)

Genes: FANCC (FA complementation group C; minus strand), AOPEP (aminopeptidase O (putative); plus strand). Cytogenetic location: 9q22.32.
Variant type: single nucleotide variant.
Coding change: c.991A>G on transcript NM_000136.3 (MANE Select); coding-DNA position 991, A replaced by G.
Protein change: p.Lys331Glu; replaces lysine 331 with glutamic acid.
Molecular consequence: missense variant.
Genome position (GRCh38, 1-based): chr9:95,125,091, T>C on the plus strand (A>G on the coding strand, the complement: FANCC is on the minus strand). VCF-style: chr9-95125091-T-C. GRCh37 (hg19) VCF-style: chr9-97887373-T-C.
Other names: c.991A>G, p.Lys331Glu (NM_001243743.2, NM_001243744.2); short protein forms K331E.
Identifiers: ClinVar variation 2446905 (VCV002446905.4), dbSNP rs2541136790, ClinGen allele CA374108741.
Genomic context (GRCh38, chr9:95,125,091, plus strand): 5'-CTCAACAGCGTCTTATTCTCTGGGATGAATGAGTAATATATGTGATATAACAAACCTGCT[T>C]GCTTGCTTTCTCCAGAGCTTCTACAAAGCACTGCGTAAACACCTGAATAGTGGCTATGAT-3'
Protein context (NP_000127.2, residues 321-341): CFVEALEKAS[Lys331Glu]QLRFALKTYF

ClinVar aggregate classification (germline): Uncertain significance. Review status: criteria provided, multiple submitters, no conflicts (2 of 4 stars). 2 submissions from 2 submitters: Uncertain significance (2). Last evaluated 2025-07-29.

Conditions:
Hereditary cancer-predisposing syndrome. Also called: Neoplastic Syndromes, Hereditary; Hereditary Cancer Syndrome; Tumor predisposition; Hereditary neoplastic syndrome. Identifiers: Orphanet 140162, MedGen C0027672, MeSH D009386, MONDO:0015356.

Allele frequency attached by ClinVar (database versions not stated): gnomAD exomes below 0.00001.
gnomAD v4.1: 2 of 1,613,966 alleles (0.00012%); highest among the groups gnomAD compares: Admixed American, 0.0017%; no homozygotes.

Submissions (2):

Quest Diagnostics Nichols Institute San Juan Capistrano
Classification: Uncertain significance. Last evaluated: 2025-07-29. Review status: criteria provided, single submitter. Criteria: Quest Diagnostics criteria. Collection method: clinical testing. Allele origin: unknown.
Comment: The FANCC c.991A>G (p.Lys331Glu) variant has not been reported in individuals with FANCC-related conditions in the published literature. This variant has not been reported in large, multi-ethnic general populations (Genome Aggregation Database). Analysis of this variant using bioinformatics tools for the prediction of the effect of amino acid changes on protein structure and function yielded predictions that this variant is benign. Based on the available information, we are unable to determine the clinical significance of this variant.

Ambry Genetics
Classification: Uncertain significance for Hereditary cancer-predisposing syndrome. Last evaluated: 2025-05-15. Review status: criteria provided, single submitter. Criteria: Ambry Variant Classification Scheme 2023. Collection method: clinical testing. Allele origin: germline.